The following is an entry in ClinVar:

NM_000088.4(COL1A1):c.1215T>G (p.Ile405Met)

Gene: COL1A1 (collagen type I alpha 1 chain; minus strand). Cytogenetic location: 17q21.33.
Variant type: single nucleotide variant.
Coding change: c.1215T>G on transcript NM_000088.4 (MANE Select); coding-DNA position 1215, T replaced by G.
Protein change: p.Ile405Met; replaces isoleucine 405 with methionine.
Molecular consequence: missense variant.
Genome position (GRCh38, 1-based): chr17:50,195,316, A>C on the plus strand (T>G on the coding strand, the complement: COL1A1 is on the minus strand). VCF-style: chr17-50195316-A-C. GRCh37 (hg19) VCF-style: chr17-48272677-A-C.
Other names: short protein forms I405M.
Identifiers: ClinVar variation 2903852 (VCV002903852.4), dbSNP rs769634537, ClinGen allele CA8645343.
Genomic context (GRCh38, chr17:50,195,316, plus strand): 5'-GCCGCCGGGGCCCTGGGGTCCAGAGGGGCCTCGGGCACCAGGGAAGCCAGGAGCACCAGC[A>C]ATACCAGGAGCACCCTGTGGGAGGCAGACAGCCAGGGCGTGAGCCTAGGAGCAGAGGGAA-3'
Protein context (NP_000079.2, residues 395-415): GAKGANGAPG[Ile405Met]AGAPGFPGAR

ClinVar aggregate classification (germline): Uncertain significance. Review status: criteria provided, multiple submitters, no conflicts (2 of 4 stars). 2 submissions from 2 submitters: Uncertain significance (2). Last evaluated 2026-05-19.

Conditions:
Osteogenesis imperfecta type I (OI1). Also called: Classic Non-deforming Osteogenesis Imperfecta with Blue Sclerae; OI, TYPE I; OSTEOGENESIS IMPERFECTA TARDA; OSTEOGENESIS IMPERFECTA WITH BLUE SCLERAE; Osteogenesis imperfecta type 1; Lobstein's Disease. Identifiers: Orphanet 216796, Orphanet 666, MedGen C0023931, MONDO:0008146, OMIM 166200. Disease mechanism: loss of function.

Allele frequency attached by ClinVar (database versions not stated): ExAC 0.00001; gnomAD exomes 0.00001; TOPMed 0.00001.
gnomAD v4.1: 4 of 1,613,736 alleles (0.00025%); highest among the groups gnomAD compares: Admixed American, 0.0067%; no homozygotes.

Submissions (2):

Women's Health and Genetics/Laboratory Corporation of America, LabCorp
Classification: Uncertain significance. Last evaluated: 2026-05-19. Review status: criteria provided, single submitter. Criteria: LabCorp Variant Classification Summary - May 2015. Collection method: clinical testing. Allele origin: germline.
Comment: Variant summary: COL1A1 c.1215T>G (p.Ile405Met) results in a conservative amino acid change in the encoded protein sequence. Algorithms developed to predict the effect of missense changes on protein structure and function are either unavailable or do not agree on the potential impact of this missense change. The variant allele was found at a frequency of 8e-06 in 250996 control chromosomes. The available data on variant occurrences in the general population are insufficient to allow any conclusion about variant significance. To our knowledge, no occurrence of c.1215T>G in individuals affected with COL1A1-related conditions and no experimental evidence demonstrating its impact on protein function have been reported. ClinVar contains an entry for this variant (Variation ID: 2903852). Based on the evidence outlined above, the variant was classified as uncertain significance.

Labcorp Genetics (formerly Invitae), Labcorp
Classification: Uncertain significance for Osteogenesis imperfecta type I. Last evaluated: 2025-11-04. Review status: criteria provided, single submitter. Criteria: Invitae Variant Classification Sherloc (09022015). Collection method: clinical testing. Allele origin: germline.
Comment: This sequence change replaces isoleucine, which is neutral and non-polar, with methionine, which is neutral and non-polar, at codon 405 of the COL1A1 protein (p.Ile405Met). This variant is present in population databases (rs769634537, gnomAD 0.006%). This variant has not been reported in the literature in individuals affected with COL1A1-related conditions. ClinVar contains an entry for this variant (Variation ID: 2903852). Invitae Evidence Modeling of protein sequence and biophysical properties (such as structural, functional, and spatial information, amino acid conservation, physicochemical variation, residue mobility, and thermodynamic stability) has been performed for this missense variant. However, the output from this modeling did not meet the statistical confidence thresholds required to predict the impact of this variant on COL1A1 protein function. In summary, the available evidence is currently insufficient to determine the role of this variant in disease. Therefore, it has been classified as a Variant of Uncertain Significance.